The following is an entry in ClinVar:

ClinVar aggregate classification (germline): Conflicting classifications of pathogenicity. Review status: criteria provided, conflicting classifications (1 of 4 stars). 2 submissions from 2 submitters: Uncertain significance (1); Benign (1). Last evaluated 2022-10-01.

Conditions:
Isolated Nonsyndromic Congenital Heart Disease.

Allele frequency attached by ClinVar (database versions not stated): gnomAD 0.00101 and 0.00095; TOPMed 0.00067.

Submissions (2):

CeGaT Center for Human Genetics Tuebingen
Classification: Benign. Last evaluated: 2022-10-01. Review status: criteria provided, single submitter. Criteria: CeGaT Center For Human Genetics Tuebingen Variant Classification Criteria Version 2. Collection method: clinical testing. Allele origin: germline. Affected: yes. Observed: 2 variant alleles.
Comment: JAG1: BS1, BS2

Illumina Laboratory Services, Illumina
Classification: Uncertain significance for Isolated Nonsyndromic Congenital Heart Disease. Last evaluated: 2018-01-13. Review status: criteria provided, single submitter. Criteria: ICSL Variant Classification Criteria 13 December 2019. Collection method: clinical testing. Allele origin: germline.

NM_000214.3(JAG1):c.*1551C>T

Gene: JAG1 (jagged canonical Notch ligand 1; minus strand). Cytogenetic location: 20p12.2.
Variant type: single nucleotide variant.
Coding change: c.*1551C>T on transcript NM_000214.3 (MANE Select); 1551 bases downstream of the stop codon, C replaced by T.
Molecular consequence: 3 prime UTR variant.
Genome position (GRCh38, 1-based): chr20:10,637,947, G>A on the plus strand (C>T on the coding strand, the complement: JAG1 is on the minus strand). VCF-style: chr20-10637947-G-A. GRCh37 (hg19) VCF-style: chr20-10618595-G-A.
Identifiers: ClinVar variation 898713 (VCV000898713.35), dbSNP rs760811504, ClinGen allele CA311366500.